The following is an entry in ClinVar:

ClinVar aggregate classification (germline): Uncertain significance (1 of 4 stars; one submission).

Conditions:
Amyotrophic lateral sclerosis type 1 (ALS1). Also called: AMYOTROPHIC LATERAL SCLEROSIS 1, FAMILIAL. Identifiers: Orphanet 803, MedGen C1862939, MONDO:0007103, OMIM 105400.
Neuronopathy, distal hereditary motor, type 7B. Also called: HMN VIIB; LOWER MOTOR NEURON DISEASE, DYNACTIN TYPE; NEURONOPATHY, DISTAL HEREDITARY MOTOR, AUTOSOMAL DOMINANT 14; NEURONOPATHY, DISTAL HEREDITARY MOTOR, HARDING TYPE VIIB; NEUROPATHY, DISTAL HEREDITARY MOTOR, HARDING TYPE VIIB; NEUROPATHY, DISTAL HEREDITARY MOTOR, WITH VOCAL CORD PARALYSIS, HARDING TYPE VIIB. Identifiers: Orphanet 139589, MedGen C1843315, MONDO:0011879, OMIM 607641.
Perry syndrome. Also called: PARKINSONISM WITH ALVEOLAR HYPOVENTILATION AND MENTAL DEPRESSION. Identifiers: Orphanet 178509, MedGen C1868594, MONDO:0008201, OMIM 168605.

Submission:

Labcorp Genetics (formerly Invitae), Labcorp
Classification: Uncertain significance for Amyotrophic lateral sclerosis type 1; Neuronopathy, distal hereditary motor, type 7B; Perry syndrome. Last evaluated: 2024-03-14. Review status: criteria provided, single submitter. Criteria: Invitae Variant Classification Sherloc (09022015). Collection method: clinical testing. Allele origin: germline.
Comment: This sequence change replaces glutamine, which is neutral and polar, with arginine, which is basic and polar, at codon 522 of the DCTN1 protein (p.Gln522Arg). This variant is not present in population databases (gnomAD no frequency). This variant has not been reported in the literature in individuals affected with DCTN1-related conditions. Advanced modeling of protein sequence and biophysical properties (such as structural, functional, and spatial information, amino acid conservation, physicochemical variation, residue mobility, and thermodynamic stability) performed at Invitae indicates that this missense variant is not expected to disrupt DCTN1 protein function with a negative predictive value of 80%. In summary, the available evidence is currently insufficient to determine the role of this variant in disease. Therefore, it has been classified as a Variant of Uncertain Significance.

NM_004082.5(DCTN1):c.1565A>G (p.Gln522Arg)

Gene: DCTN1 (dynactin subunit 1; minus strand). Cytogenetic location: 2p13.1.
Variant type: single nucleotide variant.
Coding change: c.1565A>G on transcript NM_004082.5 (MANE Select); coding-DNA position 1565, A replaced by G.
Protein change: p.Gln522Arg; replaces glutamine 522 with arginine.
Molecular consequence: missense variant. On other transcripts: non-coding transcript variant (1).
Genome position (GRCh38, 1-based): chr2:74,369,319, T>C on the plus strand (A>G on the coding strand, the complement: DCTN1 is on the minus strand). VCF-style: chr2-74369319-T-C. GRCh37 (hg19) VCF-style: chr2-74596446-T-C.
Other names: c.1505A>G, p.Gln502Arg (NM_001135040.3); c.1163A>G, p.Gln388Arg (NM_001135041.3, NM_023019.4); c.1454A>G, p.Gln485Arg (NM_001190836.2); c.1544A>G, p.Gln515Arg (NM_001190837.2); c.1514A>G, p.Gln505Arg (NM_001378991.1); c.1496A>G, p.Gln499Arg (NM_001378992.1); short protein forms Q388R, Q485R, Q499R, Q502R, Q505R, Q515R, Q522R.
Identifiers: ClinVar variation 3755293 (VCV003755293.2).